The following is an entry in ClinVar:

NM_000198.4(HSD3B2):c.1000C>T (p.Gln334Ter)

Gene: HSD3B2 (hydroxy-delta-5-steroid dehydrogenase, 3 beta- and steroid delta-isomerase 2; plus strand). Cytogenetic location: 1p12.
Variant type: single nucleotide variant.
Coding change: c.1000C>T on transcript NM_000198.4 (MANE Select); coding-DNA position 1000, C replaced by T.
Protein change: p.Gln334Ter; replaces glutamine 334 with a stop codon.
Molecular consequence: nonsense.
Genome position (GRCh38, 1-based): chr1:119,422,501, C>T. VCF-style: chr1-119422501-C-T. GRCh37 (hg19) VCF-style: chr1-119965124-C-T.
Other names: c.1000C>T, p.Gln334Ter (NM_001166120.2); short protein forms Q334*.
Identifiers: ClinVar variation 956384 (VCV000956384.13), dbSNP rs905880501, ClinGen allele CA30212300.
Genomic context (GRCh38, chr1:119,422,501, plus strand): 5'-TTCAACCGCCACACAGTCACATTATCAAATAGTGTGTTCACCTTCTCTTACAAGAAGGCT[C>T]AGCGAGATCTGGCGTATAAGCCACTCTACAGCTGGGAGGAAGCCAAGCAGAAAACCGTGG-3'

ClinVar aggregate classification (germline): Pathogenic/Likely pathogenic. Review status: criteria provided, multiple submitters, no conflicts (2 of 4 stars). 4 submissions from 4 submitters: Pathogenic (2); Likely pathogenic (1). 1 of the submissions does not count toward it. Last evaluated 2025-08-31.

Conditions:
HSD3B2-related disorder. Also called: HSD3B2-related condition.
3 beta-Hydroxysteroid dehydrogenase deficiency. Also called: 3-BETA-HSD DEFICIENCY; ADRENAL HYPERPLASIA II; ADRENAL HYPERPLASIA, CONGENITAL, DUE TO 3-BETA-HYDROXYSTEROID DEHYDROGENASE 2 DEFICIENCY; Congenital adrenal hyperplasia due to 3-beta-hydroxysteroid dehydrogenase deficiency; 3b-hydroxysteroid dehydrogenase deficiency. Identifiers: Orphanet 90791, MedGen C0342471, MeSH C538236, MONDO:0008727, OMIM 201810. Disease mechanism: loss of function.

Allele frequency attached by ClinVar (database versions not stated): gnomAD exomes below 0.00001; TOPMed below 0.00001.

Submissions (4):

PreventionGenetics, part of Exact Sciences
Classification: Pathogenic for HSD3B2-related condition. Last evaluated: 2025-08-31. Review status: criteria provided, single submitter. Criteria: ACMG Guidelines, 2015. Collection method: clinical testing. Allele origin: germline.
Comment: The HSD3B2 c.1000C>T variant is predicted to result in premature protein termination (p.Gln334*). This variant has been reported in several individuals with congenital adrenal hyperplasia (Jeandron et al 2012. PubMed ID: 22343390; Alswailem et al 2017. PubMed ID: 28870780). This variant has not been reported in a large population database (gnomAD), indicating this variant is rare. Nonsense variants in HSD3B2 are expected to be pathogenic. This variant is interpreted as pathogenic.

Labcorp Genetics (formerly Invitae), Labcorp
Classification: Pathogenic. Last evaluated: 2023-05-19. Review status: criteria provided, single submitter. Criteria: Invitae Variant Classification Sherloc (09022015). Collection method: clinical testing. Allele origin: germline.
Comment: ClinVar contains an entry for this variant (Variation ID: 956384). This sequence change creates a premature translational stop signal (p.Gln334*) in the HSD3B2 gene. While this is not anticipated to result in nonsense mediated decay, it is expected to disrupt the last 39 amino acid(s) of the HSD3B2 protein. This variant is not present in population databases (gnomAD no frequency). This premature translational stop signal has been observed in individuals with congenital adrenal hyperplasia (PMID: 22343390, 28870780). This variant disrupts a region of the HSD3B2 protein in which other variant(s) (p.Arg335*) have been determined to be pathogenic (PMID: 18252794). This suggests that this is a clinically significant region of the protein, and that variants that disrupt it are likely to be disease-causing. For these reasons, this variant has been classified as Pathogenic.

Revvity Omics, Revvity
Classification: Likely pathogenic for 3 beta-Hydroxysteroid dehydrogenase deficiency. Last evaluated: 2021-12-01. Review status: criteria provided, single submitter. Criteria: ACMG Guidelines, 2015. Collection method: clinical testing. Allele origin: germline.

Natera, Inc.
Classification: Pathogenic for 3 beta hydroxysteroid dehydrogenase deficiency. Last evaluated: 2021-07-28. Review status: no assertion criteria provided. Collection method: clinical testing. Allele origin: germline. Not counted in ClinVar's aggregate classification.

Literature cited by the submitters: PubMed 22343390 (cited by Labcorp Genetics (formerly Invitae), Labcorp); PubMed 28870780 (cited by Labcorp Genetics (formerly Invitae), Labcorp); PubMed 18252794 (cited by Labcorp Genetics (formerly Invitae), Labcorp).